The following is an entry in ClinVar:

NM_020800.3(IFT80):c.1961dup (p.Asn654fs)

Genes: TRIM59-IFT80 (TRIM59-IFT80 readthrough (NMD candidate); minus strand), IFT80 (intraflagellar transport 80; minus strand). Cytogenetic location: 3q25.33.
Variant type: Duplication.
Coding change: c.1961dup on transcript NM_020800.3 (MANE Select); coding-DNA position 1961, one base duplicated (A; older notation c.1961dupA).
Protein change: p.Asn654fs; shifts the reading frame from asparagine 654.
Molecular consequence: frameshift variant. On other transcripts: non-coding transcript variant (3).
Genome position (GRCh38, 1-based): chr3:160,277,444, T duplicated on the plus strand (A on the coding strand, the reverse complement: IFT80 is on the minus strand); the first of 6 consecutive T bases (chr3:160,277,444-160,277,449); duplicating any one gives the same sequence. VCF-style (leftmost placement, unchanged base first): chr3-160277443-A-AT. GRCh37 (hg19) VCF-style: chr3-159995231-A-AT.
Other names: c.1550dup, p.Asn517fs (NM_001190241.2, NM_001190242.2); short protein forms N517fs, N654fs.
Identifiers: ClinVar variation 2187694 (VCV002187694.5), dbSNP rs779179710, ClinGen allele CA547558892.

ClinVar aggregate classification (germline): Pathogenic/Likely pathogenic. Review status: criteria provided, multiple submitters, no conflicts (2 of 4 stars). 2 submissions from 2 submitters: Pathogenic (1); Likely pathogenic (1). Last evaluated 2025-09-06.

Conditions:
Jeune thoracic dystrophy. Also called: Jeune syndrome; Infantile thoracic dystrophy; Thoracic pelvic phalangeal dystrophy; Jeune's syndrome; Chondroectodermal dysplasia-like syndrome; Short-rib thoracic dysplasia. Identifiers: Orphanet 474, MedGen C0265275, MONDO:0018770.
Asphyxiating thoracic dystrophy 2 (SRTD2). Also called: SHORT-RIB THORACIC DYSPLASIA 2 WITH OR WITHOUT POLYDACTYLY; SHORT-RIB THORACIC DYSPLASIA 2 WITH POLYDACTYLY; SHORT-RIB THORACIC DYSPLASIA 2 WITHOUT POLYDACTYLY. Identifiers: Orphanet 474, MedGen C1970005, MONDO:0012644, OMIM 611263.

Submissions (2):

Labcorp Genetics (formerly Invitae), Labcorp
Classification: Pathogenic for Jeune thoracic dystrophy. Last evaluated: 2025-09-06. Review status: criteria provided, single submitter. Criteria: Invitae Variant Classification Sherloc (09022015). Collection method: clinical testing. Allele origin: germline.
Comment: This sequence change creates a premature translational stop signal (p.Asn654Lysfs*5) in the IFT80 gene. It is expected to result in an absent or disrupted protein product. Loss-of-function variants in IFT80 are known to be pathogenic (PMID: 21227999, 23339108, 29068549). This variant is present in population databases (no rsID available, gnomAD 0.007%). This variant has not been reported in the literature in individuals affected with IFT80-related conditions. ClinVar contains an entry for this variant (Variation ID: 2187694). For these reasons, this variant has been classified as Pathogenic.

Fulgent Genetics
Classification: Likely pathogenic for Asphyxiating thoracic dystrophy 2. Last evaluated: 2024-06-14. Review status: criteria provided, single submitter. Criteria: ACMG Guidelines, 2015. Collection method: clinical testing. Allele origin: germline.

Literature cited by the submitters: PubMed 21227999 (cited by Labcorp Genetics (formerly Invitae), Labcorp); PubMed 23339108 (cited by Labcorp Genetics (formerly Invitae), Labcorp); PubMed 29068549 (cited by Labcorp Genetics (formerly Invitae), Labcorp).